The following is an entry in ClinVar:

ClinVar aggregate classification (germline): Pathogenic (1 of 4 stars; one submission).

Conditions:
Hereditary cancer-predisposing syndrome. Also called: Neoplastic Syndromes, Hereditary; Tumor predisposition; Hereditary neoplastic syndrome; Hereditary Cancer Syndrome. Identifiers: Orphanet 140162, MedGen C0027672, MeSH D009386, MONDO:0015356.
Cardiovascular phenotype. Identifiers: MedGen CN230736.

Submission:

Ambry Genetics
Classification: Pathogenic for Cardiovascular phenotype; Hereditary cancer-predisposing syndrome. Last evaluated: 2023-05-30. Review status: criteria provided, single submitter. Criteria: Ambry Variant Classification Scheme 2023. Collection method: clinical testing. Allele origin: germline.
Comment: The c.6524_6525delCTinsG pathogenic mutation, located in coding exon 42 of the NF1 gene, results from the deletion of two nucleotides and insertion of one nucleotide causing a translational frameshift with a predicted alternate stop codon (p.T2175Sfs*4). This variant is considered to be rare based on population cohorts in the Genome Aggregation Database (gnomAD). This alteration is expected to result in loss of function by premature protein truncation or nonsense-mediated mRNA decay. As such, this alteration is interpreted as a disease-causing mutation.

NM_001042492.3(NF1):c.6587_6588delinsG (p.Thr2196fs)

Gene: NF1 (neurofibromin 1; plus strand). Cytogenetic location: 17q11.2.
Variant type: Indel.
Coding change: c.6587_6588delinsG on transcript NM_001042492.3 (MANE Select); coding-DNA positions 6587 to 6588, CT replaced by G.
Protein change: p.Thr2196fs; shifts the reading frame from threonine 2196.
Molecular consequence: frameshift variant.
Genome position (GRCh38, 1-based): chr17:31,337,527-31,337,528, CT replaced by G. VCF-style: chr17-31337527-CT-G. GRCh37 (hg19) VCF-style: chr17-29664545-CT-G.
Other names: c.6524_6525delCTinsG (NM_000267.3); c.6524_6525delCTinsG, p.Thr2175Serfs (NM_000267.4); short protein forms T2175fs, T2196fs.
Identifiers: ClinVar variation 3237886 (VCV003237886.1), dbSNP rs2508754245.